The following is an entry in ClinVar:

ClinVar aggregate classification (germline): Uncertain significance. Review status: criteria provided, multiple submitters, no conflicts (2 of 4 stars). 2 submissions from 2 submitters: Uncertain significance (2). Last evaluated 2026-08-18.

Conditions:
Inborn genetic diseases. Identifiers: MedGen C0950123, MeSH D030342.

gnomAD v4.1: 7 of 1,613,926 alleles (0.00043%); highest among the groups gnomAD compares: Non-Finnish European, 0.00059%; no homozygotes.

Submissions (2):

Ambry Genetics
Classification: Uncertain significance for Inborn genetic diseases. Last evaluated: 2026-08-18. Review status: criteria provided, single submitter. Criteria: Ambry Variant Classification Scheme 2023. Collection method: clinical testing. Allele origin: germline.

Labcorp Genetics (formerly Invitae), Labcorp
Classification: Uncertain significance. Last evaluated: 2024-02-01. Review status: criteria provided, single submitter. Criteria: Invitae Variant Classification Sherloc (09022015). Collection method: clinical testing. Allele origin: germline.
Comment: This sequence change replaces leucine, which is neutral and non-polar, with phenylalanine, which is neutral and non-polar, at codon 625 of the COL4A2 protein (p.Leu625Phe). This variant is not present in population databases (gnomAD no frequency). This variant has not been reported in the literature in individuals affected with COL4A2-related conditions. Advanced modeling of protein sequence and biophysical properties (such as structural, functional, and spatial information, amino acid conservation, physicochemical variation, residue mobility, and thermodynamic stability) performed at Invitae indicates that this missense variant is not expected to disrupt COL4A2 protein function with a negative predictive value of 95%. In summary, the available evidence is currently insufficient to determine the role of this variant in disease. Therefore, it has been classified as a Variant of Uncertain Significance.

NM_001846.4(COL4A2):c.1873C>T (p.Leu625Phe)

Gene: COL4A2 (collagen type IV alpha 2 chain; plus strand). Cytogenetic location: 13q34.
Variant type: single nucleotide variant.
Coding change: c.1873C>T on transcript NM_001846.4 (MANE Select); coding-DNA position 1873, C replaced by T.
Protein change: p.Leu625Phe; replaces leucine 625 with phenylalanine.
Molecular consequence: missense variant.
Genome position (GRCh38, 1-based): chr13:110,465,501, C>T. VCF-style: chr13-110465501-C-T. GRCh37 (hg19) VCF-style: chr13-111117848-C-T.
Other names: c.1873C>T (NM_001846.2); short protein forms L625F.
Identifiers: ClinVar variation 3611838 (VCV003611838.3).